The following is an entry in ClinVar:

NM_001370466.1(NOD2):c.500G>T (p.Gly167Val)

Gene: NOD2 (nucleotide binding oligomerization domain containing 2; plus strand). Cytogenetic location: 16q12.1.
Variant type: single nucleotide variant.
Coding change: c.500G>T on transcript NM_001370466.1 (MANE Select); coding-DNA position 500, G replaced by T.
Protein change: p.Gly167Val; replaces glycine 167 with valine.
Molecular consequence: missense variant. On other transcripts: non-coding transcript variant (1).
Genome position (GRCh38, 1-based): chr16:50,707,895, G>T. VCF-style: chr16-50707895-G-T. GRCh37 (hg19) VCF-style: chr16-50741806-G-T.
Other names: c.500G>T, p.Gly167Val (NM_001293557.2); c.581G>T, p.Gly194Val (NM_022162.3); short protein forms G167V, G194V.
Identifiers: ClinVar variation 3753421 (VCV003753421.4).

ClinVar aggregate classification (germline): Uncertain significance. Review status: criteria provided, multiple submitters, no conflicts (2 of 4 stars). 3 submissions from 3 submitters: Uncertain significance (3). Last evaluated 2026-01-12.

Conditions:
Inborn genetic diseases. Identifiers: MedGen C0950123, MeSH D030342.
Regional enteritis. Also called: Enteritis, Granulomatous. Identifiers: MedGen C0678202, MeSH D003424.
Blau syndrome (BLAUS). Also called: ARTHROCUTANEOUVEAL GRANULOMATOSIS; GRANULOMATOSIS, FAMILIAL JUVENILE SYSTEMIC; GRANULOMATOSIS, FAMILIAL, BLAU TYPE; GRANULOMATOUS INFLAMMATORY ARTHRITIS, DERMATITIS, AND UVEITIS, FAMILIAL; JABS SYNDROME. Identifiers: Orphanet 90340, MedGen C5201146, MONDO:0008523, OMIM 186580.

gnomAD v4.1: 6 of 1,614,188 alleles (0.00037%); highest among the groups gnomAD compares: Non-Finnish European, 0.00051%; no homozygotes.

Submissions (3):

Women's Health and Genetics/Laboratory Corporation of America, LabCorp
Classification: Uncertain significance. Last evaluated: 2026-01-12. Review status: criteria provided, single submitter. Criteria: LabCorp Variant Classification Summary - May 2015. Collection method: clinical testing. Allele origin: germline.
Comment: Variant summary: NOD2 c.581G>T (p.Gly194Val) results in a non-conservative amino acid change in the encoded protein sequence. Algorithms developed to predict the effect of missense changes on protein structure and function are either unavailable or do not agree on the potential impact of this missense change. The variant was absent in 251494 control chromosomes. The available data on variant occurrences in the general population are insufficient to allow any conclusion about variant significance. To our knowledge, no occurrence of c.581G>T in individuals affected with NOD2-related conditions and no experimental evidence demonstrating its impact on protein function have been reported. ClinVar contains an entry for this variant (Variation ID: 3753421). Based on the evidence outlined above, the variant was classified as uncertain significance.

Ambry Genetics
Classification: Uncertain significance for Inborn genetic diseases. Last evaluated: 2025-08-29. Review status: criteria provided, single submitter. Criteria: Ambry Variant Classification Scheme 2023. Collection method: clinical testing. Allele origin: germline.

Labcorp Genetics (formerly Invitae), Labcorp
Classification: Uncertain significance for Regional enteritis; Blau syndrome. Last evaluated: 2024-12-31. Review status: criteria provided, single submitter. Criteria: Invitae Variant Classification Sherloc (09022015). Collection method: clinical testing. Allele origin: germline.
Comment: This sequence change replaces glycine, which is neutral and non-polar, with valine, which is neutral and non-polar, at codon 194 of the NOD2 protein (p.Gly194Val). This variant is not present in population databases (gnomAD no frequency). This variant has not been reported in the literature in individuals affected with NOD2-related conditions. Invitae Evidence Modeling of protein sequence and biophysical properties (such as structural, functional, and spatial information, amino acid conservation, physicochemical variation, residue mobility, and thermodynamic stability) indicates that this missense variant is not expected to disrupt NOD2 protein function with a negative predictive value of 95%. In summary, the available evidence is currently insufficient to determine the role of this variant in disease. Therefore, it has been classified as a Variant of Uncertain Significance.